The following is an entry in ClinVar:

ClinVar aggregate classification (germline): Conflicting classifications of pathogenicity. Review status: criteria provided, conflicting classifications (1 of 4 stars). 4 submissions from 4 submitters: Uncertain significance (3); Likely benign (1). Last evaluated 2026-09-26.

Conditions:
Polyps, multiple and recurrent inflammatory fibroid, gastrointestinal. Identifiers: MedGen C5193005, MONDO:0008285, OMIM 175510.
PDGFRA-related disorder. Also called: PDGFRA-related condition.
Hereditary cancer-predisposing syndrome. Also called: Neoplastic Syndromes, Hereditary; Tumor predisposition; Hereditary Cancer Syndrome; Hereditary neoplastic syndrome. Identifiers: Orphanet 140162, MedGen C0027672, MeSH D009386, MONDO:0015356.
Gastrointestinal stromal tumor. Also called: Gastrointestinal stroma tumor; Gastrointestinal stromal tumor, somatic. Identifiers: Orphanet 44890, MedGen C0238198, MeSH D046152, MONDO:0011719, OMIM 606764, HP:0100723.

Allele frequency attached by ClinVar (database versions not stated): ExAC 0.00001; gnomAD 0.00001; gnomAD exomes 0.00001; TOPMed 0.00003.

Submissions (4):

PreventionGenetics, part of Exact Sciences
Classification: Uncertain significance for PDGFRA-related condition. Last evaluated: 2026-09-26. Review status: criteria provided, single submitter. Criteria: ACMG Guidelines, 2015. Collection method: clinical testing. Allele origin: germline.
Comment: The PDGFRA c.3218T>C variant is predicted to result in the amino acid substitution p.Met1073Thr. To our knowledge, this variant has not been reported in the literature. This variant is reported in 0.012% of alleles in individuals of African descent in gnomAD. This variant has conflicting interpretations in ClinVar ranging from uncertain to likely benign (Variation ID: 579600). At this time, the clinical significance of this variant is uncertain due to the absence of conclusive functional and genetic evidence.

Labcorp Genetics (formerly Invitae), Labcorp
Classification: Uncertain significance for Gastrointestinal stromal tumor. Last evaluated: 2025-12-31. Review status: criteria provided, single submitter. Criteria: Invitae Variant Classification Sherloc (09022015). Collection method: clinical testing. Allele origin: germline.
Comment: This sequence change replaces methionine, which is neutral and non-polar, with threonine, which is neutral and polar, at codon 1073 of the PDGFRA protein (p.Met1073Thr). This variant is present in population databases (rs764405049, gnomAD 0.01%). This variant has not been reported in the literature in individuals affected with PDGFRA-related conditions. ClinVar contains an entry for this variant (Variation ID: 579600). An algorithm developed to predict the effect of missense changes on protein structure and function (PolyPhen-2) suggests that this variant is likely to be tolerated. In summary, the available evidence is currently insufficient to determine the role of this variant in disease. Therefore, it has been classified as a Variant of Uncertain Significance.

Ambry Genetics
Classification: Likely benign for Hereditary cancer-predisposing syndrome. Last evaluated: 2024-08-20. Review status: criteria provided, single submitter. Criteria: Ambry Variant Classification Scheme 2023. Collection method: clinical testing. Allele origin: germline.

Baylor Genetics
Classification: Uncertain significance for Polyps, multiple and recurrent inflammatory fibroid, gastrointestinal. Last evaluated: 2024-02-11. Review status: criteria provided, single submitter. Criteria: ACMG Guidelines, 2015. Collection method: clinical testing. Allele origin: unknown.

NM_006206.6(PDGFRA):c.3218T>C (p.Met1073Thr)

Gene: PDGFRA (platelet derived growth factor receptor alpha; plus strand). Cytogenetic location: 4q12.
Variant type: single nucleotide variant.
Coding change: c.3218T>C on transcript NM_006206.6 (MANE Select); coding-DNA position 3218, T replaced by C.
Protein change: p.Met1073Thr; replaces methionine 1073 with threonine.
Molecular consequence: missense variant.
Genome position (GRCh38, 1-based): chr4:54,295,220, T>C. VCF-style: chr4-54295220-T-C. GRCh37 (hg19) VCF-style: chr4-55161387-T-C.
Other names: c.3293T>C, p.Met1098Thr (NM_001347828.2); c.3218T>C, p.Met1073Thr (NM_001347829.2); c.3257T>C, p.Met1086Thr (NM_001347830.2); c.3218T>C (NM_006206.5); short protein forms M1073T, M1098T, M1086T.
Identifiers: ClinVar variation 579600 (VCV000579600.16), dbSNP rs764405049, ClinGen allele CA2923062.